The following is an entry in ClinVar:

ClinVar aggregate classification (germline): Uncertain significance (1 of 4 stars; one submission).

Conditions:
PLXNA3-related disorder. Also called: PLXNA3-related condition.

Submission:

PreventionGenetics, part of Exact Sciences
Classification: Uncertain significance for PLXNA3-related condition. Last evaluated: 2025-05-22. Review status: criteria provided, single submitter. Criteria: ACMG Guidelines, 2015. Collection method: clinical testing. Allele origin: germline.
Comment: The PLXNA3 c.2678G>C variant is predicted to result in the amino acid substitution p.Arg893Thr. To our knowledge, this variant has not been reported in the literature or in a large population database (gnomAD), indicating this variant is rare. At this time, the clinical significance of this variant is uncertain due to the absence of conclusive functional and genetic evidence.

NM_017514.5(PLXNA3):c.2678G>C (p.Arg893Thr)

Gene: PLXNA3 (plexin A3; plus strand). Cytogenetic location: Xq28.
Variant type: single nucleotide variant.
Coding change: c.2678G>C on transcript NM_017514.5 (MANE Select); coding-DNA position 2678, G replaced by C.
Protein change: p.Arg893Thr; replaces arginine 893 with threonine.
Molecular consequence: missense variant.
Genome position (GRCh38, 1-based): chrX:154,466,080, G>C. VCF-style: chrX-154466080-G-C. GRCh37 (hg19) VCF-style: chrX-153694423-G-C.
Other names: short protein forms R893T.
Identifiers: ClinVar variation 4999621 (VCV004999621.1).